The following is an entry in ClinVar:

ClinVar aggregate classification (germline): Likely benign (0 of 4 stars; one submission).

Conditions:
MYCBP2-related disorder. Also called: MYCBP2-related condition.

Allele frequency attached by ClinVar (database versions not stated): gnomAD exomes 0.00002; ExAC 0.00009; gnomAD 0.00026; TOPMed 0.00028; ESP Exome Variant Server 0.00054.
gnomAD v4.1: 72 of 1,611,824 alleles (0.0045%); highest among the groups gnomAD compares: African/African-American, 0.084%; no homozygotes.

Submission:

PreventionGenetics, part of Exact Sciences
Classification: Likely benign for MYCBP2-related condition. Last evaluated: 2023-02-28. Review status: no assertion criteria provided. Collection method: clinical testing. Allele origin: germline.
Comment: This variant is classified as likely benign based on ACMG/AMP sequence variant interpretation guidelines (Richards et al. 2015 PMID: 25741868, with internal and published modifications).

NM_015057.5(MYCBP2):c.11739C>G (p.Leu3913=)

Genes: MYCBP2 (MYC binding protein 2; minus strand), MYCBP2-AS1 (MYCBP2 antisense RNA 1; plus strand). Cytogenetic location: 13q22.3.
Variant type: single nucleotide variant.
Coding change: c.11739C>G on transcript NM_015057.5 (MANE Select); coding-DNA position 11739, C replaced by G.
Protein change: p.Leu3913=; no amino-acid change (leucine 3913 retained).
Molecular consequence: synonymous variant. On other transcripts: non-coding transcript variant (1).
Genome position (GRCh38, 1-based): chr13:77,076,835, G>C on the plus strand (C>G on the coding strand, the complement: MYCBP2 is on the minus strand). VCF-style: chr13-77076835-G-C. GRCh37 (hg19) VCF-style: chr13-77650970-G-C.
Identifiers: ClinVar variation 3050147 (VCV003050147.2), dbSNP rs140449422, ClinGen allele CA7008066.
Genomic context (GRCh38, chr13:77,076,835, plus strand): 5'-AGGTGATGACAATAGTGCTTTTTCCTCTTGTTCTGGTGTAGGTTCAGCATCTCCAGAGAT[G>C]AGCTTTCCAAATACCTGATGAAGATATGCATGTGAGAAGGAATTAATGACAGGCATTAAC-3'
Protein context (NP_055872.4, residues 3903-3923): RLITSQVFGK[Leu3913=]ISGDAEPTPE